The following is an entry in ClinVar:

ClinVar aggregate classification (germline): Uncertain significance. Review status: criteria provided, multiple submitters, no conflicts (2 of 4 stars). 2 submissions from 2 submitters: Uncertain significance (2). Last evaluated 2024-05-31.

Conditions:
Inborn genetic diseases. Identifiers: MedGen C0950123, MeSH D030342.

Allele frequency attached by ClinVar (database versions not stated): ExAC 0.00001; TOPMed 0.00001.
gnomAD v4.1: 30 of 1,613,610 alleles (0.0019%); highest among the groups gnomAD compares: African/African-American, 0.004%; no homozygotes.

Submissions (2):

Labcorp Genetics (formerly Invitae), Labcorp
Classification: Uncertain significance. Last evaluated: 2024-05-31. Review status: criteria provided, single submitter. Criteria: Invitae Variant Classification Sherloc (09022015). Collection method: clinical testing. Allele origin: germline.
Comment: This sequence change replaces isoleucine, which is neutral and non-polar, with valine, which is neutral and non-polar, at codon 1027 of the DSG1 protein (p.Ile1027Val). This variant is present in population databases (rs766971978, gnomAD 0.008%). This variant has not been reported in the literature in individuals affected with DSG1-related conditions. Algorithms developed to predict the effect of missense changes on protein structure and function output the following: SIFT: "Not Available"; PolyPhen-2: "Benign"; Align-GVGD: "Not Available". The valine amino acid residue is found in multiple mammalian species, which suggests that this missense change does not adversely affect protein function. In summary, the available evidence is currently insufficient to determine the role of this variant in disease. Therefore, it has been classified as a Variant of Uncertain Significance.

Ambry Genetics
Classification: Uncertain significance for Inborn genetic diseases. Last evaluated: 2023-10-10. Review status: criteria provided, single submitter. Criteria: Ambry Variant Classification Scheme 2023. Collection method: clinical testing. Allele origin: germline.

NM_001942.4(DSG1):c.3079A>G (p.Ile1027Val)

Genes: DSG1 (desmoglein 1; plus strand), DSG1-AS1 (DSG1 antisense RNA 1; minus strand). Cytogenetic location: 18q12.1.
Variant type: single nucleotide variant.
Coding change: c.3079A>G on transcript NM_001942.4 (MANE Select); coding-DNA position 3079, A replaced by G.
Protein change: p.Ile1027Val; replaces isoleucine 1027 with valine.
Molecular consequence: missense variant.
Genome position (GRCh38, 1-based): chr18:31,355,275, A>G. VCF-style: chr18-31355275-A-G. GRCh37 (hg19) VCF-style: chr18-28935238-A-G.
Other names: short protein forms I1027V.
Identifiers: ClinVar variation 3085942 (VCV003085942.3), dbSNP rs766971978, ClinGen allele CA8926515.